The following is an entry in ClinVar:

NM_024079.5(ALG8):c.38G>A (p.Trp13Ter)

Gene: ALG8 (ALG8 alpha-1,3-glucosyltransferase; minus strand). Cytogenetic location: 11q14.1.
Variant type: single nucleotide variant.
Coding change: c.38G>A on transcript NM_024079.5 (MANE Select); coding-DNA position 38, G replaced by A.
Protein change: p.Trp13Ter; replaces tryptophan 13 with a stop codon.
Molecular consequence: nonsense. On other transcripts: 5 prime UTR variant (7), non-coding transcript variant (2).
Genome position (GRCh38, 1-based): chr11:78,139,551, C>T on the plus strand (G>A on the coding strand, the complement: ALG8 is on the minus strand). VCF-style: chr11-78139551-C-T. GRCh37 (hg19) VCF-style: chr11-77850597-C-T.
Other names: c.38G>A, p.Trp13Ter (NM_001425237.1, NM_001425238.1, NM_001425240.1 and 16 more transcripts); c.-345G>A (NM_001425239.1); c.-475G>A (NM_001425241.1); c.-513G>A (NM_001425242.1); c.-37G>A (NM_001425226.1, NM_001425235.1, NM_001425236.1); c.-192G>A (NM_001425234.1); short protein forms W13*.
Identifiers: ClinVar variation 4879789 (VCV004879789.1).

ClinVar aggregate classification (germline): Uncertain significance (1 of 4 stars; one submission).

Conditions:
Polycystic liver disease 3 with or without kidney cysts. Identifiers: MedGen C4693472, MONDO:0054743, OMIM 617874.

Submission:

Victorian Clinical Genetics Services, Murdoch Childrens Research Institute
Classification: Uncertain significance for Polycystic liver disease 3 with or without kidney cysts. Last evaluated: 2026-02-20. Review status: criteria provided, single submitter. Criteria: ACMG Guidelines, 2015. Collection method: clinical testing. Allele origin: germline. Affected: yes.
Comment: This variant is classified as VUS-3A. Evidence in support of pathogenic classification: Variant is predicted to result in a truncated protein (premature termination codon is located within the first 102 nucleotides of the coding sequence and is predicted to escape nonsense-mediated decay); Variant is absent from gnomAD (v2, v3 and v4). Additional information: This variant is heterozygous; This gene is associated with both recessive and dominant disease; This variant has no previous evidence of pathogenicity; No published evidence of segregation with disease has been identified for this variant; No published functional evidence has been identified for this variant; No comparable 5' NMD escape variants have previous evidence for pathogenicity; Loss of function is a known mechanism of disease in this gene and is associated with congenital disorder of glycosylation, type Ih (MIM#608104), and polycystic liver disease 3 with or without kidney cysts (MIM#617874); Variants in this gene are known to have variable expressivity (OMIM); Inheritance information for this variant is not currently available in this individual.